The following is an entry in ClinVar:

ClinVar aggregate classification (germline): Likely benign. Review status: criteria provided, multiple submitters, no conflicts (2 of 4 stars). 2 submissions from 2 submitters: Likely benign (2). Last evaluated 2025-09-27.

Conditions:
Duchenne muscular dystrophy (DMD). Also called: MUSCULAR DYSTROPHY, PSEUDOHYPERTROPHIC PROGRESSIVE, DUCHENNE TYPE; Duchenne Muscular Dystrophy (DMD). Identifiers: Orphanet 98896, MedGen C0013264, MONDO:0010679, OMIM 310200.

Submissions (2):

Labcorp Genetics (formerly Invitae), Labcorp
Classification: Likely benign for Duchenne muscular dystrophy. Last evaluated: 2025-09-27. Review status: criteria provided, single submitter. Criteria: Invitae Variant Classification Sherloc (09022015). Collection method: clinical testing. Allele origin: germline.

GeneDx
Classification: Likely benign. Last evaluated: 2017-02-13. Review status: criteria provided, single submitter. Criteria: GeneDx Variant Classification (06012015). Collection method: clinical testing. Allele origin: germline. Affected: yes.
Comment: This variant is considered likely benign or benign based on one or more of the following criteria: it is a conservative change, it occurs at a poorly conserved position in the protein, it is predicted to be benign by multiple in silico algorithms, and/or has population frequency not consistent with disease.

NM_004006.3(DMD):c.6438+11G>C

Gene: DMD (dystrophin; minus strand). Cytogenetic location: Xp21.1.
Variant type: single nucleotide variant.
Coding change: c.6438+11G>C on transcript NM_004006.3 (MANE Select); 11 bases into the intron after coding-DNA position 6438, G replaced by C.
Molecular consequence: intron variant.
Genome position (GRCh38, 1-based): chrX:32,216,905, C>G on the plus strand (G>C on the coding strand, the complement: DMD is on the minus strand). VCF-style: chrX-32216905-C-G. GRCh37 (hg19) VCF-style: chrX-32235022-C-G.
Other names: c.6414+11G>C (NM_000109.4); c.2415+11G>C (NM_004011.4); c.2406+11G>C (NM_004012.4); c.6426+11G>C (NM_004009.3); c.6069+11G>C (NM_004010.3).
Identifiers: ClinVar variation 507197 (VCV000507197.2), dbSNP rs1557218050, ClinGen allele CA412660436.